The following is an entry in ClinVar:

NM_133259.4(LRPPRC):c.505del (p.Val171fs)

Gene: LRPPRC (leucine rich pentatricopeptide repeat containing; minus strand). Cytogenetic location: 2p21.
Variant type: Deletion.
Coding change: c.505del on transcript NM_133259.4 (MANE Select); coding-DNA position 505, one base deleted (C; older notation c.505delC).
Protein change: p.Val171fs; shifts the reading frame from valine 171.
Molecular consequence: frameshift variant.
Genome position (GRCh38, 1-based): chr2:43,977,241, G deleted on the plus strand (C on the coding strand, the reverse complement: LRPPRC is on the minus strand). VCF-style (leftmost placement, unchanged base first): chr2-43977240-AG-A. GRCh37 (hg19) VCF-style: chr2-44204379-AG-A.
Other names: short protein forms V171fs.
Identifiers: ClinVar variation 5015594 (VCV005015594.1).
Genomic context (GRCh38, chr2:43,977,240, plus strand): 5'-TCCATTTTTGCCAGGAAATCAGTTGGTGAGAATTTATATTCATTTTGAAGATAGACTTTA[AG>A]TAAAGCATTATAGTGACTCACATCATACACAGCACCTACAAATGAAATTTAAAATGAATT-3'

ClinVar aggregate classification (germline): Pathogenic (1 of 4 stars; one submission).

Conditions:
Congenital lactic acidosis, Saguenay-Lac-Saint-Jean type (MC4DN5). Also called: CYTOCHROME c OXIDASE DEFICIENCY, FRENCH CANADIAN TYPE; COX DEFICIENCY, FRENCH CANADIAN TYPE; MITOCHONDRIAL COMPLEX IV DEFICIENCY, NUCLEAR TYPE 5. Identifiers: Orphanet 70472, MedGen C1857355, MONDO:0009069, OMIM 220111.

Submission:

Myriad Genetics, Inc.
Classification: Pathogenic for Congenital lactic acidosis, Saguenay-Lac-Saint-Jean type. Last evaluated: 2026-02-23. Review status: criteria provided, single submitter. Criteria: Myriad Autosomal Dominant, Autosomal Recessive and X-Linked Classification Criteria (2023). Collection method: clinical testing. Allele origin: unknown.
Comment: NM_133259.3(LRPPRC):c.505delC(V171Sfs*28) is expected to be pathogenic in the context of Leigh syndrome, French-Canadian type. This variant is predicted to lead to an abnormal or absent protein product due to the creation of a premature termination codon in LRPPRC, a gene where loss-of-function variants are known to be pathogenic. Please note: this variant was assessed in the context of healthy population screening.